The following is an entry in ClinVar:

ClinVar aggregate classification (germline): Uncertain significance (1 of 4 stars; one submission).

Submission:

Labcorp Genetics (formerly Invitae), Labcorp
Classification: Uncertain significance. Last evaluated: 2024-02-15. Review status: criteria provided, single submitter. Criteria: Invitae Variant Classification Sherloc (09022015). Collection method: clinical testing. Allele origin: germline.
Comment: This sequence change replaces arginine, which is basic and polar, with glutamine, which is neutral and polar, at codon 52 of the RALA protein (p.Arg52Gln). This variant is not present in population databases (gnomAD no frequency). This variant has not been reported in the literature in individuals affected with RALA-related conditions. Advanced modeling of protein sequence and biophysical properties (such as structural, functional, and spatial information, amino acid conservation, physicochemical variation, residue mobility, and thermodynamic stability) performed at Invitae indicates that this missense variant is not expected to disrupt RALA protein function with a negative predictive value of 95%. In summary, the available evidence is currently insufficient to determine the role of this variant in disease. Therefore, it has been classified as a Variant of Uncertain Significance.

NM_005402.4(RALA):c.155G>A (p.Arg52Gln)

Gene: RALA (RAS like proto-oncogene A; plus strand). Cytogenetic location: 7p14.1.
Variant type: single nucleotide variant.
Coding change: c.155G>A on transcript NM_005402.4 (MANE Select); coding-DNA position 155, G replaced by A.
Protein change: p.Arg52Gln; replaces arginine 52 with glutamine.
Molecular consequence: missense variant.
Genome position (GRCh38, 1-based): chr7:39,690,422, G>A. VCF-style: chr7-39690422-G-A. GRCh37 (hg19) VCF-style: chr7-39730021-G-A.
Other names: short protein forms R52Q.
Identifiers: ClinVar variation 3615137 (VCV003615137.2).